The following is an entry in ClinVar:

NM_014000.3(VCL):c.1172C>T (p.Ala391Val)

Gene: VCL (vinculin; plus strand). Cytogenetic location: 10q22.2.
Variant type: single nucleotide variant.
Coding change: c.1172C>T on transcript NM_014000.3 (MANE Select); coding-DNA position 1172, C replaced by T.
Protein change: p.Ala391Val; replaces alanine 391 with valine.
Molecular consequence: missense variant.
Genome position (GRCh38, 1-based): chr10:74,089,345, C>T. VCF-style: chr10-74089345-C-T. GRCh37 (hg19) VCF-style: chr10-75849103-C-T.
Other names: c.1172C>T, p.Ala391Val (NM_003373.4); short protein forms A391V.
Identifiers: ClinVar variation 3673416 (VCV003673416.2).
Genomic context (GRCh38, chr10:74,089,345, plus strand): 5'-CTCGCAAGCTGGAAGCCATGACCAACTCAAAGCAGAGCATTGCAAAGAAGATCGATGCTG[C>T]TCAGGTAGTCACAGTGATTTTCAGGAGGGGTGGGAAATATTTCATAAATATCCTAAGTCA-3'
Protein context (NP_054706.1, residues 381-401): KQSIAKKIDA[Ala391Val]QNWLADPNGG

ClinVar aggregate classification (germline): Uncertain significance (1 of 4 stars; one submission).

Conditions:
Dilated cardiomyopathy 1W (CMD1W). Identifiers: Orphanet 154, MedGen C1969639, MONDO:0012667, OMIM 611407.

gnomAD v4.1: 1 of 1,613,924 alleles (0.000062%); highest among the groups gnomAD compares: Non-Finnish European, 0.000085%; no homozygotes.

Submission:

Labcorp Genetics (formerly Invitae), Labcorp
Classification: Uncertain significance for Dilated cardiomyopathy 1W. Last evaluated: 2025-03-09. Review status: criteria provided, single submitter. Criteria: Invitae Variant Classification Sherloc (09022015). Collection method: clinical testing. Allele origin: germline.
Comment: This sequence change replaces alanine, which is neutral and non-polar, with valine, which is neutral and non-polar, at codon 391 of the VCL protein (p.Ala391Val). This variant is not present in population databases (gnomAD no frequency). This variant has not been reported in the literature in individuals affected with VCL-related conditions. An algorithm developed to predict the effect of missense changes on protein structure and function (PolyPhen-2) suggests that this variant is likely to be disruptive. In summary, the available evidence is currently insufficient to determine the role of this variant in disease. Therefore, it has been classified as a Variant of Uncertain Significance.